The following is an entry in ClinVar:

ClinVar aggregate classification (germline): Uncertain significance (1 of 4 stars; one submission).

Conditions:
Werner syndrome (WRN). Identifiers: Orphanet 902, MedGen C0043119, MONDO:0010196, OMIM 277700.

Submission:

Labcorp Genetics (formerly Invitae), Labcorp
Classification: Uncertain significance for Werner syndrome. Last evaluated: 2020-12-09. Review status: criteria provided, single submitter. Criteria: Invitae Variant Classification Sherloc (09022015). Collection method: clinical testing. Allele origin: germline.
Comment: This sequence change replaces alanine with threonine at codon 1294 of the WRN protein (p.Ala1294Thr). The alanine residue is highly conserved and there is a small physicochemical difference between alanine and threonine. This variant is not present in population databases (ExAC no frequency). In summary, the available evidence is currently insufficient to determine the role of this variant in disease. Therefore, it has been classified as a Variant of Uncertain Significance. Algorithms developed to predict the effect of missense changes on protein structure and function are either unavailable or do not agree on the potential impact of this missense change (SIFT: "Not Available"; PolyPhen-2: "Probably Damaging"; Align-GVGD: "Not Available"). This variant has not been reported in the literature in individuals with WRN-related conditions.

NM_000553.6(WRN):c.3880G>A (p.Ala1294Thr)

Gene: WRN (WRN RecQ like helicase; plus strand). Cytogenetic location: 8p12.
Variant type: single nucleotide variant.
Coding change: c.3880G>A on transcript NM_000553.6 (MANE Select); coding-DNA position 3880, G replaced by A.
Protein change: p.Ala1294Thr; replaces alanine 1294 with threonine.
Molecular consequence: missense variant.
Genome position (GRCh38, 1-based): chr8:31,157,428, G>A. VCF-style: chr8-31157428-G-A. GRCh37 (hg19) VCF-style: chr8-31014944-G-A.
Other names: short protein forms A1294T.
Identifiers: ClinVar variation 458470 (VCV000458470.3), dbSNP rs1554536365, ClinGen allele CA370929402.